The following is an entry in ClinVar:

NM_001271.4(CHD2):c.702A>T (p.Glu234Asp)

Gene: CHD2 (chromodomain helicase DNA binding protein 2; plus strand). Cytogenetic location: 15q26.1.
Variant type: single nucleotide variant.
Coding change: c.702A>T on transcript NM_001271.4 (MANE Select); coding-DNA position 702, A replaced by T.
Protein change: p.Glu234Asp; replaces glutamic acid 234 with aspartic acid.
Molecular consequence: missense variant.
Genome position (GRCh38, 1-based): chr15:92,941,831, A>T. VCF-style: chr15-92941831-A-T. GRCh37 (hg19) VCF-style: chr15-93485061-A-T.
Other names: c.702A>T, p.Glu234Asp (NM_001042572.3); short protein forms E234D.
Identifiers: ClinVar variation 2645721 (VCV002645721.24), dbSNP rs2505443299, ClinGen allele CA393900610.

ClinVar aggregate classification (germline): Uncertain significance (1 of 4 stars; one submission).

gnomAD v4.1: 1 of 1,613,196 alleles (0.000062%); highest among the groups gnomAD compares: Non-Finnish European, 0.000085%; no homozygotes.

Submission:

CeGaT Center for Human Genetics Tuebingen
Classification: Uncertain significance. Last evaluated: 2022-12-01. Review status: criteria provided, single submitter. Criteria: CeGaT Center For Human Genetics Tuebingen Variant Classification Criteria Version 2. Collection method: clinical testing. Allele origin: germline. Affected: yes. Observed: 1 variant allele.
Comment: CHD2: PM2, PP3